The following is an entry in ClinVar:

NM_006506.5(RASA2):c.677A>T (p.Tyr226Phe)

Gene: RASA2 (RAS p21 protein activator 2; plus strand). Cytogenetic location: 3q23.
Variant type: single nucleotide variant.
Coding change: c.677A>T on transcript NM_006506.5 (MANE Select); coding-DNA position 677, A replaced by T.
Protein change: p.Tyr226Phe; replaces tyrosine 226 with phenylalanine.
Molecular consequence: missense variant.
Genome position (GRCh38, 1-based): chr3:141,555,905, A>T. VCF-style: chr3-141555905-A-T. GRCh37 (hg19) VCF-style: chr3-141274747-A-T.
Other names: c.677A>T, p.Tyr226Phe (NM_001303245.3, NM_001303246.3); short protein forms Y226F.
Identifiers: ClinVar variation 2111724 (VCV002111724.4), dbSNP rs1474856884, ClinGen allele CA354772750.

ClinVar aggregate classification (germline): Uncertain significance (1 of 4 stars; one submission).

Submission:

Labcorp Genetics (formerly Invitae), Labcorp
Classification: Uncertain significance. Last evaluated: 2022-03-14. Review status: criteria provided, single submitter. Criteria: Invitae Variant Classification Sherloc (09022015). Collection method: clinical testing. Allele origin: germline.
Comment: This variant is not present in population databases (gnomAD no frequency). In summary, the available evidence is currently insufficient to determine the role of this variant in disease. Therefore, it has been classified as a Variant of Uncertain Significance. Algorithms developed to predict the effect of missense changes on protein structure and function (SIFT, PolyPhen-2, Align-GVGD) all suggest that this variant is likely to be tolerated. This variant has not been reported in the literature in individuals affected with RASA2-related conditions. This sequence change replaces tyrosine, which is neutral and polar, with phenylalanine, which is neutral and non-polar, at codon 226 of the RASA2 protein (p.Tyr226Phe).